The following is an entry in ClinVar:

NM_032833.5(PPP1R15B):c.1612G>C (p.Gly538Arg)

Gene: PPP1R15B (protein phosphatase 1 regulatory subunit 15B; minus strand). Cytogenetic location: 1q32.1.
Variant type: single nucleotide variant.
Coding change: c.1612G>C on transcript NM_032833.5 (MANE Select); coding-DNA position 1612, G replaced by C.
Protein change: p.Gly538Arg; replaces glycine 538 with arginine.
Molecular consequence: missense variant.
Genome position (GRCh38, 1-based): chr1:204,409,800, C>G on the plus strand (G>C on the coding strand, the complement: PPP1R15B is on the minus strand). VCF-style: chr1-204409800-C-G. GRCh37 (hg19) VCF-style: chr1-204378928-C-G.
Other names: short protein forms G538R.
Identifiers: ClinVar variation 1972186 (VCV001972186.6), dbSNP rs760319584, ClinGen allele CA1346602.
Genomic context (GRCh38, chr1:204,409,800, plus strand): 5'-AGTTCCACAGTTTGAGACTCTCTGCTTCATCTGCACTAGATTCCCAGTCATCTTCCTCCC[C>G]AGAACTATGCTCAGGGGTCTCAGGAAGGCTTCCAGACTGGGAGGAATTCTCTAGATCAGA-3'
Protein context (NP_116222.4, residues 528-548): SLPETPEHSS[Gly538Arg]EEDDWESSAD

ClinVar aggregate classification (germline): Uncertain significance. Review status: criteria provided, multiple submitters, no conflicts (2 of 4 stars). 2 submissions from 2 submitters: Uncertain significance (2). Last evaluated 2025-08-31.

Conditions:
Inborn genetic diseases. Identifiers: MedGen C0950123, MeSH D030342.

Allele frequency attached by ClinVar (database versions not stated): ExAC 0.00003; gnomAD 0.00003.
gnomAD v4.1: 100 of 1,614,056 alleles (0.0062%); highest among the groups gnomAD compares: Non-Finnish European, 0.0081%; no homozygotes.

Submissions (2):

Labcorp Genetics (formerly Invitae), Labcorp
Classification: Uncertain significance. Last evaluated: 2025-08-31. Review status: criteria provided, single submitter. Criteria: Invitae Variant Classification Sherloc (09022015). Collection method: clinical testing. Allele origin: germline.
Comment: This sequence change replaces glycine, which is neutral and non-polar, with arginine, which is basic and polar, at codon 538 of the PPP1R15B protein (p.Gly538Arg). This variant is present in population databases (rs760319584, gnomAD 0.006%). This variant has not been reported in the literature in individuals affected with PPP1R15B-related conditions. ClinVar contains an entry for this variant (Variation ID: 1972186). Invitae Evidence Modeling of protein sequence and biophysical properties (such as structural, functional, and spatial information, amino acid conservation, physicochemical variation, residue mobility, and thermodynamic stability) has been performed for this missense variant. However, the output from this modeling did not meet the statistical confidence thresholds required to predict the impact of this variant on PPP1R15B protein function. In summary, the available evidence is currently insufficient to determine the role of this variant in disease. Therefore, it has been classified as a Variant of Uncertain Significance.

Ambry Genetics
Classification: Uncertain significance for Inborn genetic diseases. Last evaluated: 2021-06-18. Review status: criteria provided, single submitter. Criteria: Ambry Variant Classification Scheme 2023. Collection method: clinical testing. Allele origin: germline.